The following is an entry in ClinVar:

NM_006270.5(RRAS):c.495C>T (p.His165=)

Gene: RRAS (RAS related; minus strand). Cytogenetic location: 19q13.33.
Variant type: single nucleotide variant.
Coding change: c.495C>T on transcript NM_006270.5 (MANE Select); coding-DNA position 495, C replaced by T.
Protein change: p.His165=; no amino-acid change (histidine 165 retained).
Molecular consequence: synonymous variant.
Genome position (GRCh38, 1-based): chr19:49,635,811, G>A on the plus strand (C>T on the coding strand, the complement: RRAS is on the minus strand). VCF-style: chr19-49635811-G-A. GRCh37 (hg19) VCF-style: chr19-50139068-G-A.
Other names: c.495C>T (NM_006270.4, NM_006270.3).
Identifiers: ClinVar variation 1138642 (VCV001138642.34), dbSNP rs765681955, ClinGen allele CA9578980.
Genomic context (GRCh38, chr19:49,635,811, plus strand): 5'-CTGCTCAAAAGCCTCGTCCACGTTGAGACGCAGTTTGGCCGAGGCCTCAAAGTAGGCCAC[G>A]TGGTGGGAGGCGCCGAAGGCAGAGGCTTCTGATCGGGGGACCTGGGGGTAGGGGGGACAC-3'
Protein context (NP_006261.1, residues 155-175): SEASAFGASH[His165=]VAYFEASAKL

ClinVar aggregate classification (germline): Likely benign. Review status: criteria provided, multiple submitters, no conflicts (2 of 4 stars). 5 submissions from 5 submitters: Likely benign (4). 1 of the submissions does not count toward it. Last evaluated 2024-09-18.

Conditions:
RRAS-related disorder. Also called: RRAS-related condition.
Noonan syndrome (NS). Also called: Noonan's syndrome. Identifiers: Orphanet 648, MedGen C0028326, MeSH D009634, MONDO:0018997. Disease mechanism: gain of function.

Allele frequency attached by ClinVar (database versions not stated): TOPMed 0.00001; ExAC 0.00003; gnomAD 0.00003; gnomAD exomes 0.00003 and 0.00005.
gnomAD v4.1: 56 of 1,600,554 alleles (0.0035%); highest among the groups gnomAD compares: South Asian, 0.04%; 1 homozygote.

Submissions (5):

Labcorp Genetics (formerly Invitae), Labcorp
Classification: Likely benign for Noonan syndrome. Last evaluated: 2024-09-18. Review status: criteria provided, single submitter. Criteria: Invitae Variant Classification Sherloc (09022015). Collection method: clinical testing. Allele origin: germline.

Ambry Genetics
Classification: Likely benign. Last evaluated: 2024-05-02. Review status: criteria provided, single submitter. Criteria: Ambry Variant Classification Scheme 2023. Collection method: clinical testing. Allele origin: germline.

Blueprint Genetics
Classification: Likely benign. Last evaluated: 2023-07-10. Review status: criteria provided, single submitter. Criteria: ACMG Guidelines, 2015. Collection method: clinical testing. Allele origin: germline.

CeGaT Center for Human Genetics Tuebingen
Classification: Likely benign. Last evaluated: 2022-10-01. Review status: criteria provided, single submitter. Criteria: CeGaT Center For Human Genetics Tuebingen Variant Classification Criteria Version 2. Collection method: clinical testing. Allele origin: germline. Affected: yes. Observed: 1 variant allele.
Comment: RRAS: BP4, BP7

PreventionGenetics, part of Exact Sciences
Classification: Likely benign for RRAS-related condition. Last evaluated: 2024-07-24. Review status: no assertion criteria provided. Collection method: clinical testing. Allele origin: germline. Not counted in ClinVar's aggregate classification.
Comment: This variant is classified as likely benign based on ACMG/AMP sequence variant interpretation guidelines (Richards et al. 2015 PMID: 25741868, with internal and published modifications).